The following is an entry in ClinVar:

NM_005618.4(DLL1):c.1032G>A (p.Thr344=)

Gene: DLL1 (delta like canonical Notch ligand 1; minus strand). Cytogenetic location: 6q27.
Variant type: single nucleotide variant.
Coding change: c.1032G>A on transcript NM_005618.4 (MANE Select); coding-DNA position 1032, G replaced by A.
Protein change: p.Thr344=; no amino-acid change (threonine 344 retained).
Molecular consequence: synonymous variant.
Genome position (GRCh38, 1-based): chr6:170,285,254, C>T on the plus strand (G>A on the coding strand, the complement: DLL1 is on the minus strand). VCF-style: chr6-170285254-C-T. GRCh37 (hg19) VCF-style: chr6-170594342-C-T.
Identifiers: ClinVar variation 2430848 (VCV002430848.3), dbSNP rs1783671554, ClinGen allele CA453613988.

ClinVar aggregate classification (germline): Uncertain significance. Review status: criteria provided, multiple submitters, no conflicts (2 of 4 stars). 2 submissions from 2 submitters: Uncertain significance (2). Last evaluated 2026-06-02.

Allele frequency attached by ClinVar (database versions not stated): gnomAD exomes below 0.00001; gnomAD 0.00001.
gnomAD v4.1: 2 of 1,614,010 alleles (0.00012%); highest among the groups gnomAD compares: Non-Finnish European, 0.00017%; no homozygotes.

Submissions (2):

GeneDx
Classification: Uncertain significance. Last evaluated: 2026-06-02. Review status: criteria provided, single submitter. Criteria: GeneDx Variant Classification Process June 2021. Collection method: clinical testing. Allele origin: germline.
Comment: De novo variant with confirmed parentage in unrelated patients referred for genetic testing at GeneDx; however, the reported clinical features are only partially consistent with the features typically observed in individuals with pathogenic variants in this gene; Not observed at significant frequency in large population cohorts (gnomAD); In silico analysis is inconclusive as to whether the variant alters gene splicing. In the absence of RNA/functional studies, the actual effect of this sequence change is unknown.; Has not been previously published as pathogenic or benign to our knowledge

Labcorp Genetics (formerly Invitae), Labcorp
Classification: Uncertain significance. Last evaluated: 2025-12-19. Review status: criteria provided, single submitter. Criteria: Invitae Variant Classification Sherloc (09022015). Collection method: clinical testing. Allele origin: germline.
Comment: This sequence change affects codon 344 of the DLL1 mRNA. It is a 'silent' change, meaning that it does not change the encoded amino acid sequence of the DLL1 protein. This variant also falls at the last nucleotide of exon 7, which is part of the consensus splice site for this exon. This variant is not present in population databases (gnomAD no frequency). This variant has not been reported in the literature in individuals affected with DLL1-related conditions. ClinVar contains an entry for this variant (Variation ID: 2430848). Variants that disrupt the consensus splice site are a relatively common cause of aberrant splicing (PMID: 17576681, 9536098). Algorithms developed to predict the effect of sequence changes on RNA splicing suggest that this variant may disrupt the consensus splice site. In summary, the available evidence is currently insufficient to determine the role of this variant in disease. Therefore, it has been classified as a Variant of Uncertain Significance.

Literature cited by the submitters: PubMed 17576681 (cited by Labcorp Genetics (formerly Invitae), Labcorp); PubMed 9536098 (cited by Labcorp Genetics (formerly Invitae), Labcorp).